The following is an entry in ClinVar:

ClinVar aggregate classification (germline): Conflicting classifications of pathogenicity. Review status: no assertion criteria provided (0 of 4 stars). 2 submissions from 2 submitters: Pathogenic (1); Uncertain significance (1). Last evaluated 2018-01-05.

Conditions:
Alkaptonuria (AKU). Also called: Homogentisic acidura; Alkaptonuric ochronosis; HOMOGENTISIC ACID OXIDASE DEFICIENCY; Alcaptonuria. Identifiers: Orphanet 56, MedGen C0002066, MONDO:0008753, OMIM 203500.

gnomAD v4.1: 5 of 1,607,536 alleles (0.00031%); highest among the groups gnomAD compares: Non-Finnish European, 0.00043%; no homozygotes.

Submissions (2):

Counsyl
Classification: Uncertain significance for Alkaptonuria. Last evaluated: 2018-01-05. Review status: no assertion criteria provided. Collection method: clinical testing. Allele origin: unknown.

Department Of Human Genetics, Institute Of Clinical And Translational Research, Biomedical Research Center, Slovak Academy Of Sciences
Classification: Pathogenic for Alkaptonuria. Review status: no assertion criteria provided. Collection method: research. Allele origin: germline. Inheritance: Autosomal recessive inheritance. Affected: yes. Observed: 1 variant allele.
Comment: The variant was originally described in AKU patient in PMID:19862842. nucleotide change was deduced. It has been submitted to the HGD gene mutation database (DB-ID: AKU_00061).

Literature cited by the submitters: PubMed 19862842 (cited by Counsyl and Department Of Human Genetics, Institute Of Clinical And Translational Research, Biomedical Research Center, Slovak Academy Of Sciences).

NM_000187.4(HGD):c.559C>G (p.Arg187Gly)

Gene: HGD (homogentisate 1,2-dioxygenase; minus strand). Cytogenetic location: 3q13.33.
Variant type: single nucleotide variant.
Coding change: c.559C>G on transcript NM_000187.4 (MANE Select); coding-DNA position 559, C replaced by G.
Protein change: p.Arg187Gly; replaces arginine 187 with glycine.
Molecular consequence: missense variant.
Genome position (GRCh38, 1-based): chr3:120,646,357, G>C on the plus strand (C>G on the coding strand, the complement: HGD is on the minus strand). VCF-style: chr3-120646357-G-C. GRCh37 (hg19) VCF-style: chr3-120365204-G-C.
Other names: short protein forms R187G.
Identifiers: ClinVar variation 556003 (VCV000556003.3), dbSNP rs756255206, ClinGen allele CA354076811.